The following is an entry in ClinVar:

NM_025074.7(FRAS1):c.2027C>T (p.Pro676Leu)

Gene: FRAS1 (Fraser extracellular matrix complex subunit 1; plus strand). Cytogenetic location: 4q21.21.
Variant type: single nucleotide variant.
Coding change: c.2027C>T on transcript NM_025074.7 (MANE Select); coding-DNA position 2027, C replaced by T.
Protein change: p.Pro676Leu; replaces proline 676 with leucine.
Molecular consequence: missense variant.
Genome position (GRCh38, 1-based): chr4:78,318,876, C>T. VCF-style: chr4-78318876-C-T. GRCh37 (hg19) VCF-style: chr4-79240030-C-T.
Other names: c.2027C>T, p.Pro676Leu (NM_001166133.2); short protein forms P676L.
Identifiers: ClinVar variation 429257 (VCV000429257.11), dbSNP rs202043019, ClinGen allele CA2976533.

ClinVar aggregate classification (germline): Uncertain significance. Review status: criteria provided, multiple submitters, no conflicts (2 of 4 stars). 5 submissions from 5 submitters: Uncertain significance (5). Last evaluated 2024-05-01.

Conditions:
Inborn genetic diseases. Identifiers: MedGen C0950123, MeSH D030342.
Fraser syndrome 1 (FRASRS1). Also called: CRYPTOPHTHALMOS WITH OTHER MALFORMATIONS. Identifiers: Orphanet 2052, MedGen C4551480, MONDO:0054737, OMIM 219000.

Allele frequency attached by ClinVar (database versions not stated): TOPMed 0.00026; gnomAD 0.00027 and 0.00029; gnomAD exomes 0.00040; ESP Exome Variant Server 0.00049; ExAC 0.00052.
gnomAD v4.1: 829 of 1,613,834 alleles (0.051%); highest among the groups gnomAD compares: Non-Finnish European, 0.065%; 1 homozygote.

Submissions (5):

Fulgent Genetics
Classification: Uncertain significance for Fraser syndrome 1. Last evaluated: 2024-05-01. Review status: criteria provided, single submitter. Criteria: ACMG Guidelines, 2015. Collection method: clinical testing. Allele origin: germline.

Ambry Genetics
Classification: Uncertain significance for Inborn genetic diseases. Last evaluated: 2024-02-28. Review status: criteria provided, single submitter. Criteria: Ambry Variant Classification Scheme 2023. Collection method: clinical testing. Allele origin: germline.

GeneDx
Classification: Uncertain significance. Last evaluated: 2022-12-28. Review status: criteria provided, single submitter. Criteria: GeneDx Variant Classification Process June 2021. Collection method: clinical testing. Allele origin: germline. Affected: yes.
Comment: In silico analysis supports that this missense variant has a deleterious effect on protein structure/function; Has not been previously published as pathogenic or benign to our knowledge

Labcorp Genetics (formerly Invitae), Labcorp
Classification: Uncertain significance. Last evaluated: 2021-12-27. Review status: criteria provided, single submitter. Criteria: Invitae Variant Classification Sherloc (09022015). Collection method: clinical testing. Allele origin: germline.
Comment: This sequence change replaces proline, which is neutral and non-polar, with leucine, which is neutral and non-polar, at codon 676 of the FRAS1 protein (p.Pro676Leu). This variant is present in population databases (rs202043019, gnomAD 0.07%). This variant has not been reported in the literature in individuals affected with FRAS1-related conditions. ClinVar contains an entry for this variant (Variation ID: 429257). Algorithms developed to predict the effect of missense changes on protein structure and function are either unavailable or do not agree on the potential impact of this missense change (SIFT: "Deleterious"; PolyPhen-2: "Possibly Damaging"; Align-GVGD: "Class C0"). In summary, the available evidence is currently insufficient to determine the role of this variant in disease. Therefore, it has been classified as a Variant of Uncertain Significance.

Illumina Laboratory Services, Illumina
Classification: Uncertain significance for Fraser syndrome 1. Last evaluated: 2018-01-13. Review status: criteria provided, single submitter. Criteria: ICSL Variant Classification Criteria 13 December 2019. Collection method: clinical testing. Allele origin: germline.